The following is an entry in ClinVar:

ClinVar aggregate classification (germline): Uncertain significance (1 of 4 stars; one submission).

Conditions:
Neutropenia, severe congenital, 1, autosomal dominant. Identifiers: MedGen C1859966, MONDO:0042490, OMIM 202700.
Cyclical neutropenia. Also called: Cyclic hematopoiesis; Cyclic Neutropenia. Identifiers: Orphanet 2686, MedGen C0221023, MONDO:0008090, OMIM 162800, HP:0040289. Disease mechanism: loss of function.

Submission:

Labcorp Genetics (formerly Invitae), Labcorp
Classification: Uncertain significance for Neutropenia, severe congenital, 1, autosomal dominant; Cyclical neutropenia. Last evaluated: 2025-12-17. Review status: criteria provided, single submitter. Criteria: Invitae Variant Classification Sherloc (09022015). Collection method: clinical testing. Allele origin: germline.
Comment: This sequence change replaces asparagine, which is neutral and polar, with lysine, which is basic and polar, at codon 209 of the ELANE protein (p.Asn209Lys). This variant is not present in population databases (gnomAD no frequency). This missense change has been observed in individual(s) with cyclic neutropenia (PMID: 35753512). Invitae Evidence Modeling of protein sequence and biophysical properties (such as structural, functional, and spatial information, amino acid conservation, physicochemical variation, residue mobility, and thermodynamic stability) has been performed for this missense variant. However, the output from this modeling did not meet the statistical confidence thresholds required to predict the impact of this variant on ELANE protein function. In summary, the available evidence is currently insufficient to determine the role of this variant in disease. Therefore, it has been classified as a Variant of Uncertain Significance.

Literature cited by the submitters: PubMed 35753512.

NM_001972.4(ELANE):c.627C>A (p.Asn209Lys)

Gene: ELANE (elastase, neutrophil expressed; plus strand). Cytogenetic location: 19p13.3.
Variant type: single nucleotide variant.
Coding change: c.627C>A on transcript NM_001972.4 (MANE Select); coding-DNA position 627, C replaced by A.
Protein change: p.Asn209Lys; replaces asparagine 209 with lysine.
Molecular consequence: missense variant.
Genome position (GRCh38, 1-based): chr19:855,987, C>A. VCF-style: chr19-855987-C-A. GRCh37 (hg19) VCF-style: chr19-855987-C-A.
Other names: short protein forms N209K.
Identifiers: ClinVar variation 4791461 (VCV004791461.1).